The following is an entry in ClinVar:

ClinVar aggregate classification (germline): Uncertain significance (1 of 4 stars; one submission).

Conditions:
Hereditary cancer-predisposing syndrome. Also called: Tumor predisposition; Hereditary neoplastic syndrome; Hereditary Cancer Syndrome; Neoplastic Syndromes, Hereditary. Identifiers: Orphanet 140162, MedGen C0027672, MeSH D009386, MONDO:0015356.

Submission:

Ambry Genetics
Classification: Uncertain significance for Hereditary cancer-predisposing syndrome. Last evaluated: 2023-12-08. Review status: criteria provided, single submitter. Criteria: Ambry Variant Classification Scheme 2023. Collection method: clinical testing. Allele origin: germline.
Comment: The c.1230_1231delTCinsAA variant (also known as p.L411I), located in coding exon 6 of the BLM gene, results from an in-frame deletion of TC and insertion of AA at nucleotide positions 1230 to 1231. This results in the substitution of the leucine residue for an isoleucine residue at codon 411, an amino acid with highly similar properties. This amino acid position is highly conserved in available vertebrate species. In addition, this alteration is predicted to be neutral by in silico analysis (Choi Y et al. PLoS ONE. 2012; 7(10):e46688). Since supporting evidence is limited at this time, the clinical significance of this alteration remains unclear.

NM_000057.4(BLM):c.1230_1231delinsAA (p.Leu411Ile)

Gene: BLM (BLM RecQ like helicase; plus strand). Cytogenetic location: 15q26.1.
Variant type: Indel.
Coding change: c.1230_1231delinsAA on transcript NM_000057.4 (MANE Select); coding-DNA positions 1230 to 1231, TC replaced by AA.
Protein change: p.Leu411Ile; replaces leucine 411 with isoleucine.
Molecular consequence: missense variant.
Genome position (GRCh38, 1-based): chr15:90,760,603-90,760,604, TC replaced by AA. VCF-style: chr15-90760603-TC-AA. GRCh37 (hg19) VCF-style: chr15-91303833-TC-AA.
Other names: c.1230_1231delinsAA, p.Leu411Ile (NM_001287246.2, NM_001287247.2); c.105_106delinsAA, p.Leu36Ile (NM_001287248.2); short protein forms L36I, L411I.
Identifiers: ClinVar variation 3223850 (VCV003223850.1), dbSNP rs2505423902, ClinGen allele CA2825002315.